The following is an entry in ClinVar:

NM_000535.7(PMS2):c.428T>C (p.Ile143Thr)

Gene: PMS2 (PMS1 homolog 2, mismatch repair system component; minus strand). Cytogenetic location: 7p22.1.
Variant type: single nucleotide variant.
Coding change: c.428T>C on transcript NM_000535.7 (MANE Select); coding-DNA position 428, T replaced by C.
Protein change: p.Ile143Thr; replaces isoleucine 143 with threonine.
Molecular consequence: missense variant. On other transcripts: 5 prime UTR variant (2), non-coding transcript variant (1).
Genome position (GRCh38, 1-based): chr7:6,002,562, A>G on the plus strand (T>C on the coding strand, the complement: PMS2 is on the minus strand). VCF-style: chr7-6002562-A-G. GRCh37 (hg19) VCF-style: chr7-6042193-A-G.
Other names: c.23T>C, p.Ile8Thr (NM_001322003.2, NM_001322004.2, NM_001322005.2 and 3 more transcripts); c.428T>C, p.Ile143Thr (NM_001322006.2, NM_001322014.2); c.110T>C, p.Ile37Thr (NM_001322007.2, NM_001322008.2); c.-457T>C (NM_001322011.2, NM_001322012.2); c.119T>C, p.Ile40Thr (NM_001322015.2); short protein forms I143T, I37T, I8T, I40T.
Identifiers: ClinVar variation 584545 (VCV000584545.6), dbSNP rs1562690040, ClinGen allele CA366744367.
Genomic context (GRCh38, chr7:6,002,562, plus strand): 5'-AATAACTGCTGCACGCTGACTGTGGTCCCTCTGGGGCGGGGGTAGGGGGTTTTCTGGATA[A>G]TTTTCCCATTGTGATCAAACATCAGTCGAGTTCCAACCTTCGCCGATGCGTGGCAGGTAG-3'
Protein context (NP_000526.2, residues 133-153): TRLMFDHNGK[Ile143Thr]IQKTPYPRPR

ClinVar aggregate classification (germline): Uncertain significance. Review status: criteria provided, multiple submitters, no conflicts (2 of 4 stars). 4 submissions from 4 submitters: Uncertain significance (4). Last evaluated 2025-03-04.

Conditions:
Hereditary cancer-predisposing syndrome. Also called: Neoplastic Syndromes, Hereditary; Hereditary Cancer Syndrome; Tumor predisposition; Hereditary neoplastic syndrome. Identifiers: Orphanet 140162, MedGen C0027672, MeSH D009386, MONDO:0015356.

Submissions (4):

Center for Genomic Medicine, Rigshospitalet, Copenhagen University Hospital
Classification: Uncertain significance. Last evaluated: 2025-03-04. Review status: criteria provided, single submitter. Criteria: ACMG Guidelines, 2015. Collection method: clinical testing. Allele origin: germline.

Color Diagnostics, LLC DBA Color Health
Classification: Uncertain significance for Hereditary cancer-predisposing syndrome. Last evaluated: 2023-12-11. Review status: criteria provided, single submitter. Criteria: ACMG Guidelines, 2015. Collection method: clinical testing. Allele origin: germline.
Comment: This missense variant replaces isoleucine with threonine at codon 143 of the PMS2 protein. Computational prediction is inconclusive regarding the impact of this variant on protein structure and function (internally defined REVEL score threshold 0.5 < inconclusive < 0.7, PMID: 27666373). To our knowledge, functional studies have not been reported for this variant. This variant has not been reported in individuals affected with PMS2-related disorders in the literature. This variant has not been identified in the general population by the Genome Aggregation Database (gnomAD). The available evidence is insufficient to determine the role of this variant in disease conclusively. Therefore, this variant is classified as a Variant of Uncertain Significance.

Ambry Genetics
Classification: Uncertain significance for Hereditary cancer-predisposing syndrome. Last evaluated: 2020-01-30. Review status: criteria provided, single submitter. Criteria: Ambry Variant Classification Scheme 2023. Collection method: clinical testing. Allele origin: germline.
Comment: The p.I143T variant (also known as c.428T>C), located in coding exon 5 of the PMS2 gene, results from a T to C substitution at nucleotide position 428. The isoleucine at codon 143 is replaced by threonine, an amino acid with similar properties. This alteration was reported as a variant of unknown significance in 1/1197 individuals from Greece, Romania, and Turkey undergoing evaluation for inherited cancer predisposition (Tsaousis GN et al. BMC Cancer, 2019 Jun;19:535). This amino acid position is not well conserved in available vertebrate species. In addition, the in silico prediction for this alteration is inconclusive. Since supporting evidence is limited at this time, the clinical significance of this alteration remains unclear.

GeneKor MSA
Classification: Uncertain significance for Hereditary cancer-predisposing syndrome. Last evaluated: 2018-08-01. Review status: criteria provided, single submitter. Criteria: ACMG Guidelines, 2015. Collection method: clinical testing. Allele origin: germline.

Literature cited by the submitters: PubMed 31159747 (cited by Center for Genomic Medicine, Rigshospitalet, Copenhagen University Hospital and Ambry Genetics).